The following is an entry in ClinVar:

ClinVar aggregate classification (germline): Conflicting classifications of pathogenicity. Review status: criteria provided, conflicting classifications (1 of 4 stars). 5 submissions from 5 submitters: Pathogenic (2); Uncertain significance (3). Last evaluated 2025-11-07.

Conditions:
Cardiovascular phenotype. Identifiers: MedGen CN230736.
Hereditary cancer-predisposing syndrome. Also called: Hereditary neoplastic syndrome; Hereditary Cancer Syndrome; Tumor predisposition; Neoplastic Syndromes, Hereditary. Identifiers: Orphanet 140162, MedGen C0027672, MeSH D009386, MONDO:0015356.
Neurofibromatosis, type 1 (NF1). Also called: Neurofibromatosis, type I; Peripheral type neurofibromatosis; VON RECKLINGHAUSEN DISEASE; NEUROFIBROMATOSIS, TYPE I, SOMATIC. Identifiers: Orphanet 636, MedGen C0027831, MONDO:0018975, OMIM 162200. Disease mechanism: loss of function.

Submissions (5):

Ambry Genetics
Classification: Pathogenic for Cardiovascular phenotype; Hereditary cancer-predisposing syndrome. Last evaluated: 2025-11-07. Review status: criteria provided, single submitter. Criteria: Ambry Variant Classification Scheme 2023. Collection method: clinical testing. Allele origin: germline.
Comment: The c.987A>G pathogenic mutation (also known as p.K329K), located in coding exon 9 of the NF1 gene, results from an A to G substitution at nucleotide position 987. This nucleotide substitution does not change the lysine at codon 329. This variant was reported in individual(s) with features consistent with neurofibromatosis type 1 (NF1); in at least one individual, it was determined to be de novo (Flores Pimentel M et al. Transl Vis Sci Technol, 2022 Feb;11:10; Lin T et al. Front Genet, 2025 May;16:1572487; Ambry internal data; external communication). RNA studies have demonstrated that this alteration results in abnormal splicing (Lin T et al. Front Genet, 2025 May;16:1572487). This variant is considered to be rare based on population cohorts in the Genome Aggregation Database (gnomAD). This nucleotide position is highly conserved in available vertebrate species. In silico splice site analysis predicts that this alteration may result in the creation or strengthening of a novel splice donor site. Based on the supporting evidence, this variant is interpreted as a disease-causing mutation.

Genomic Medicine Center of Excellence, King Faisal Specialist Hospital and Research Centre
Classification: Uncertain significance for Neurofibromatosis, type 1. Last evaluated: 2024-04-04. Review status: criteria provided, single submitter. Criteria: ACMG Guidelines, 2015. Collection method: clinical testing. Allele origin: germline.

Labcorp Genetics (formerly Invitae), Labcorp
Classification: Pathogenic for Neurofibromatosis, type 1. Last evaluated: 2024-01-02. Review status: criteria provided, single submitter. Criteria: Invitae Variant Classification Sherloc (09022015). Collection method: clinical testing. Allele origin: germline.
Comment: This sequence change affects codon 329 of the NF1 mRNA. It is a 'silent' change, meaning that it does not change the encoded amino acid sequence of the NF1 protein. This variant is not present in population databases (gnomAD no frequency). This variant has been observed in individual(s) with neurofibromatosis, type 1 (Invitae). In at least one individual the variant was observed to be de novo. ClinVar contains an entry for this variant (Variation ID: 964493). Algorithms developed to predict the effect of sequence changes on RNA splicing suggest that this variant may disrupt the consensus splice site. For these reasons, this variant has been classified as Pathogenic.

Genome-Nilou Lab
Classification: Uncertain significance for Neurofibromatosis, type 1. Last evaluated: 2022-03-15. Review status: criteria provided, single submitter. Criteria: ACMG Guidelines, 2015. Collection method: clinical testing. Allele origin: germline. Affected: no.

Genome Diagnostics Laboratory, The Hospital for Sick Children
Classification: Uncertain significance for Neurofibromatosis, type 1. Last evaluated: 2020-10-26. Review status: criteria provided, single submitter. Criteria: ACMG Guidelines, 2015. Collection method: clinical testing. Allele origin: germline. Affected: yes.

Literature cited by the submitters: PubMed 35119474 (cited by Ambry Genetics); PubMed 40417234 (cited by Ambry Genetics).

NM_001042492.3(NF1):c.987A>G (p.Lys329=)

Gene: NF1 (neurofibromin 1; plus strand). Cytogenetic location: 17q11.2.
Variant type: single nucleotide variant.
Coding change: c.987A>G on transcript NM_001042492.3 (MANE Select); coding-DNA position 987, A replaced by G.
Protein change: p.Lys329=; no amino-acid change (lysine 329 retained).
Molecular consequence: synonymous variant.
Genome position (GRCh38, 1-based): chr17:31,200,520, A>G. VCF-style: chr17-31200520-A-G. GRCh37 (hg19) VCF-style: chr17-29527538-A-G.
Other names: c.987A>G, p.Lys329= (NM_000267.4, NM_001128147.3).
Identifiers: ClinVar variation 964493 (VCV000964493.12), dbSNP rs2066508210, ClinGen allele CA499218388.